The following is an entry in ClinVar:

ClinVar aggregate classification (germline): Pathogenic (1 of 4 stars; one submission).

Conditions:
Epidermodysplasia verruciformis. Identifiers: Orphanet 302, MedGen C0014522, MONDO:0009176.

Submission:

Labcorp Genetics (formerly Invitae), Labcorp
Classification: Pathogenic for Epidermodysplasia verruciformis. Last evaluated: 2022-10-19. Review status: criteria provided, single submitter. Criteria: Invitae Variant Classification Sherloc (09022015). Collection method: clinical testing. Allele origin: germline.
Comment: This sequence change creates a premature translational stop signal (p.Leu411Argfs*77) in the TMC6 gene. It is expected to result in an absent or disrupted protein product. Loss-of-function variants in TMC6 are known to be pathogenic (PMID: 15042430, 17139267). This variant is not present in population databases (gnomAD no frequency). This variant has not been reported in the literature in individuals affected with TMC6-related conditions. For these reasons, this variant has been classified as Pathogenic.

Literature cited by the submitters: PubMed 15042430; PubMed 17139267.

NC_000017.11:g.78121677_78121714del

Gene: TMC6 (transmembrane channel like 6; minus strand). Cytogenetic location: 17q25.3.
Variant type: Deletion.
Genome position: GRCh38: chr17:78,121,677-78,121,714. GRCh37 (hg19): chr17:76,117,758-76,117,795.
Identifiers: ClinVar variation 2809066 (VCV002809066.3), ClinGen allele CA2739268457.
Genomic context (GRCh38, chr17:78,121,669, plus strand): 5'-TCCCCAGACACAGCAGCCACACAAGCCCCAGCACAGCCGCCTGCCGCAGCCTCCCGCACA[CGCTCCTGGGGCTGTGCCGCAGCTGCCACTCGGCCAGCA>C]GCTCCTGCAGGCGGCACCGTGTCCCCGTCACCCACACCAGAGCACGGGCACACGCAGACG-3'